The following is an entry in ClinVar:

ClinVar aggregate classification (germline): Likely benign (1 of 4 stars; one submission).

Conditions:
Juvenile polyposis/hereditary hemorrhagic telangiectasia syndrome (JPHT). Also called: JP/HHT SYNDROME; JUVENILE POLYPOSIS WITH HEREDITARY HEMORRHAGIC TELANGIECTASIA; POLYPOSIS, GENERALIZED JUVENILE, WITH PULMONARY ARTERIOVENOUS MALFORMATION; TELANGIECTASIA, HEREDITARY HEMORRHAGIC, WITH JUVENILE POLYPOSIS COLI; Juvenile Polyposis Syndrome / Hereditary Hemorrhagic Telangiectasia (JPS/HHT). Identifiers: Orphanet 2929, MedGen C1832942, MONDO:0008278, OMIM 175050.

Submission:

Myriad Genetics, Inc.
Classification: Likely benign for Juvenile polyposis/hereditary hemorrhagic telangiectasia syndrome. Last evaluated: 2025-03-21. Review status: criteria provided, single submitter. Criteria: Myriad Autosomal Dominant, Autosomal Recessive and X-Linked Classification Criteria (2023). Collection method: clinical testing. Allele origin: unknown.
Comment: This variant is considered likely benign. This variant is intronic and is not expected to impact mRNA splicing.

NM_005359.6(SMAD4):c.1139+7A>G

Gene: SMAD4 (SMAD family member 4; plus strand). Cytogenetic location: 18q21.2.
Variant type: single nucleotide variant.
Coding change: c.1139+7A>G on transcript NM_005359.6 (MANE Select); 7 bases into the intron after coding-DNA position 1139, A replaced by G.
Molecular consequence: intron variant. On other transcripts: stop lost (1), non-coding transcript variant (1).
Genome position (GRCh38, 1-based): chr18:51,065,613, A>G. VCF-style: chr18-51065613-A-G. GRCh37 (hg19) VCF-style: chr18-48591983-A-G.
Other names: c.1146A>G, p.Ter382Trp (NM_001407043.1); c.1139+7A>G (NM_001407042.1, NM_001407041.1).
Identifiers: ClinVar variation 3903793 (VCV003903793.1).